The following is an entry in ClinVar:

ClinVar aggregate classification (germline): Uncertain significance. Review status: criteria provided, multiple submitters, no conflicts (2 of 4 stars). 4 submissions from 3 submitters: Uncertain significance (4). Last evaluated 2024-09-23.

Conditions:
Age related macular degeneration 14. Also called: MACULAR DEGENERATION, AGE-RELATED, 14, REDUCED RISK OF. Identifiers: MedGen C3809653, MONDO:0014207, OMIM 615489.
Complement component 2 deficiency (C2D). Also called: C2 deficiency. Identifiers: MedGen C0398756, MONDO:0009006, OMIM 217000.

Allele frequency attached by ClinVar (database versions not stated): gnomAD exomes 0.00002 and 0.00006; TOPMed 0.00002; gnomAD 0.00004; ExAC 0.00005; ESP Exome Variant Server 0.00047.
gnomAD v4.1: 96 of 1,612,960 alleles (0.006%); highest among the groups gnomAD compares: Non-Finnish European, 0.0078%; no homozygotes.

Submissions (4):

Blueprint Genetics
Classification: Uncertain significance. Last evaluated: 2024-09-23. Review status: criteria provided, single submitter. Criteria: ACMG Guidelines, 2015. Collection method: clinical testing. Allele origin: germline.

Labcorp Genetics (formerly Invitae), Labcorp
Classification: Uncertain significance. Last evaluated: 2022-07-12. Review status: criteria provided, single submitter. Criteria: Invitae Variant Classification Sherloc (09022015). Collection method: clinical testing. Allele origin: germline.
Comment: In summary, the available evidence is currently insufficient to determine the role of this variant in disease. Therefore, it has been classified as a Variant of Uncertain Significance. Algorithms developed to predict the effect of missense changes on protein structure and function are either unavailable or do not agree on the potential impact of this missense change (SIFT: "Deleterious"; PolyPhen-2: "Possibly Damaging"; Align-GVGD: "Class C15"). ClinVar contains an entry for this variant (Variation ID: 905517). This variant has not been reported in the literature in individuals affected with C2-related conditions. This variant is present in population databases (rs374481091, gnomAD 0.007%). This sequence change replaces aspartic acid, which is acidic and polar, with asparagine, which is neutral and polar, at codon 661 of the C2 protein (p.Asp661Asn).

Illumina Laboratory Services, Illumina
Classification: Uncertain significance for Age related macular degeneration 14. Last evaluated: 2017-04-27. Review status: criteria provided, single submitter. Criteria: ICSL Variant Classification Criteria 13 December 2019. Collection method: clinical testing. Allele origin: germline.

Illumina Laboratory Services, Illumina
Classification: Uncertain significance for Complement component 2 deficiency. Last evaluated: 2017-04-27. Review status: criteria provided, single submitter. Criteria: ICSL Variant Classification Criteria 13 December 2019. Collection method: clinical testing. Allele origin: germline.

NM_000063.6(C2):c.1981G>A (p.Asp661Asn)

Gene: C2 (complement C2; plus strand). Cytogenetic location: 6p21.33.
Variant type: single nucleotide variant.
Coding change: c.1981G>A on transcript NM_000063.6 (MANE Select); coding-DNA position 1981, G replaced by A.
Protein change: p.Asp661Asn; replaces aspartic acid 661 with asparagine.
Molecular consequence: missense variant.
Genome position (GRCh38, 1-based): chr6:31,944,805, G>A. VCF-style: chr6-31944805-G-A. GRCh37 (hg19) VCF-style: chr6-31912582-G-A.
Other names: c.1585G>A, p.Asp529Asn (NM_001145903.3); c.1339G>A, p.Asp447Asn (NM_001178063.3); c.1243G>A, p.Asp415Asn (NM_001282457.2); c.1894G>A, p.Asp632Asn (NM_001282458.2); short protein forms D415N, D447N, D529N, D632N, D661N.
Identifiers: ClinVar variation 905517 (VCV000905517.10), dbSNP rs374481091, ClinGen allele CA3727845.